The following is an entry in ClinVar:

ClinVar aggregate classification (germline): Uncertain significance. Review status: criteria provided, multiple submitters, no conflicts (2 of 4 stars). 4 submissions from 4 submitters: Uncertain significance (4). Last evaluated 2025-08-27.

Conditions:
Lipoic acid synthetase deficiency. Also called: HYPERGLYCINEMIA, LACTIC ACIDOSIS, AND SEIZURES. Identifiers: Orphanet 401859, MedGen C3280887, MONDO:0013762, OMIM 614462.
Inborn genetic diseases. Identifiers: MedGen C0950123, MeSH D030342.

Allele frequency attached by ClinVar (database versions not stated): ExAC 0.00002; gnomAD exomes 0.00003; gnomAD 0.00009; TOPMed 0.00010; ESP Exome Variant Server 0.00015.
gnomAD v4.1: 114 of 1,613,754 alleles (0.0071%); highest among the groups gnomAD compares: Non-Finnish European, 0.0083%; no homozygotes.

Submissions (4):

Ambry Genetics
Classification: Uncertain significance for Inborn genetic diseases. Last evaluated: 2025-08-27. Review status: criteria provided, single submitter. Criteria: Ambry Variant Classification Scheme 2023. Collection method: clinical testing. Allele origin: germline.

Department of Pathology and Laboratory Medicine, Sinai Health System
Classification: Uncertain significance for Lipoic acid synthetase deficiency. Last evaluated: 2023-04-02. Review status: criteria provided, single submitter. Criteria: ACMG Guidelines, 2015. Collection method: research. Allele origin: germline.

GeneDx
Classification: Uncertain significance. Last evaluated: 2022-10-14. Review status: criteria provided, single submitter. Criteria: GeneDx Variant Classification Process June 2021. Collection method: clinical testing. Allele origin: germline. Affected: yes.
Comment: Not observed at significant frequency in large population cohorts (gnomAD); In silico analysis supports that this missense variant has a deleterious effect on protein structure/function; Has not been previously published as pathogenic or benign to our knowledge

Labcorp Genetics (formerly Invitae), Labcorp
Classification: Uncertain significance for Lipoic acid synthetase deficiency. Last evaluated: 2022-07-16. Review status: criteria provided, single submitter. Criteria: Invitae Variant Classification Sherloc (09022015). Collection method: clinical testing. Allele origin: germline.
Comment: This sequence change replaces aspartic acid, which is acidic and polar, with valine, which is neutral and non-polar, at codon 7 of the LIAS protein (p.Asp7Val). This variant is present in population databases (rs368786581, gnomAD 0.008%). This variant has not been reported in the literature in individuals affected with LIAS-related conditions. ClinVar contains an entry for this variant (Variation ID: 859054). Algorithms developed to predict the effect of missense changes on protein structure and function output the following: SIFT: "Tolerated"; PolyPhen-2: "Benign"; Align-GVGD: "Class C0". The valine amino acid residue is found in multiple mammalian species, which suggests that this missense change does not adversely affect protein function. In summary, the available evidence is currently insufficient to determine the role of this variant in disease. Therefore, it has been classified as a Variant of Uncertain Significance.

NM_006859.4(LIAS):c.20A>T (p.Asp7Val)

Genes: LIAS (lipoic acid synthetase; plus strand), LOC112939935 (Sharpr-MPRA regulatory region 11886; plus strand). Cytogenetic location: 4p14.
Variant type: single nucleotide variant.
Coding change: c.20A>T on transcript NM_006859.4 (MANE Select); coding-DNA position 20, A replaced by T.
Protein change: p.Asp7Val; replaces aspartic acid 7 with valine.
Molecular consequence: missense variant.
Genome position (GRCh38, 1-based): chr4:39,459,137, A>T. VCF-style: chr4-39459137-A-T. GRCh37 (hg19) VCF-style: chr4-39460757-A-T.
Other names: c.20A>T, p.Asp7Val (NM_001278590.2, NM_001278591.2, NM_001278592.2 and 2 more transcripts); c.20A>T (NM_006859.2); short protein forms D7V.
Identifiers: ClinVar variation 859054 (VCV000859054.7), dbSNP rs368786581, ClinGen allele CA2894536.